The following is an entry in ClinVar:

ClinVar aggregate classification (germline): Uncertain significance. Review status: criteria provided, multiple submitters, no conflicts (2 of 4 stars). 5 submissions from 5 submitters: Uncertain significance (4). 1 of the submissions does not count toward it. Last evaluated 2025-03-18.

Conditions:
CFTR-related disorder (CFTR-RD). Also called: CFTR-related disorders; CFTR-related condition. Identifiers: MedGen C5924204, MONDO:7770004.
Cystic fibrosis (CF). Also called: MUCOVISCIDOSIS. Identifiers: Orphanet 586, MedGen C0010674, MONDO:0009061, OMIM 219700. Disease mechanism: loss of function.

Allele frequency attached by ClinVar (database versions not stated): gnomAD exomes below 0.00001.
gnomAD v4.1: 1 of 1,613,378 alleles (0.000062%); highest among the groups gnomAD compares: Non-Finnish European, 0.000085%; no homozygotes.

Submissions (5):

PreventionGenetics, part of Exact Sciences
Classification: Uncertain significance for CFTR-related condition. Last evaluated: 2025-03-18. Review status: criteria provided, single submitter. Criteria: ACMG Guidelines, 2015. Collection method: clinical testing. Allele origin: germline.
Comment: The CFTR c.3037C>T variant is predicted to result in the amino acid substitution p.Pro1013Ser. To our knowledge, this variant has not been reported in the literature or in a large population database (gnomAD), indicating this variant is rare. At this time, the clinical significance of this variant is uncertain due to the absence of conclusive functional and genetic evidence.

Ambry Genetics
Classification: Uncertain significance for Cystic fibrosis. Last evaluated: 2025-03-14. Review status: criteria provided, single submitter. Criteria: Ambry Variant Classification Scheme 2023. Collection method: clinical testing. Allele origin: germline.
Comment: The p.P1013S variant (also known as c.3037C>T), located in coding exon 19 of the CFTR gene, results from a C to T substitution at nucleotide position 3037. The proline at codon 1013 is replaced by serine, an amino acid with similar properties. This amino acid position is highly conserved in available vertebrate species. In addition, this alteration is predicted to be deleterious by in silico analysis. Based on the available evidence, the clinical significance of this variant remains unclear.

Labcorp Genetics (formerly Invitae), Labcorp
Classification: Uncertain significance for Cystic fibrosis. Last evaluated: 2024-04-07. Review status: criteria provided, single submitter. Criteria: Invitae Variant Classification Sherloc (09022015). Collection method: clinical testing. Allele origin: germline.
Comment: This sequence change replaces proline, which is neutral and non-polar, with serine, which is neutral and polar, at codon 1013 of the CFTR protein (p.Pro1013Ser). This variant is not present in population databases (gnomAD no frequency). This variant has not been reported in the literature in individuals affected with CFTR-related conditions. ClinVar contains an entry for this variant (Variation ID: 929222). Advanced modeling of protein sequence and biophysical properties (such as structural, functional, and spatial information, amino acid conservation, physicochemical variation, residue mobility, and thermodynamic stability) performed at Invitae indicates that this missense variant is expected to disrupt CFTR protein function with a positive predictive value of 80%. This variant disrupts the p.Pro1013 amino acid residue in CFTR. Other variant(s) that disrupt this residue have been determined to be pathogenic (PMID: 11278813, 23613805). This suggests that this residue is clinically significant, and that variants that disrupt this residue are likely to be disease-causing. In summary, the available evidence is currently insufficient to determine the role of this variant in disease. Therefore, it has been classified as a Variant of Uncertain Significance.

Women's Health and Genetics/Laboratory Corporation of America, LabCorp
Classification: Uncertain significance. Last evaluated: 2022-06-07. Review status: criteria provided, single submitter. Criteria: LabCorp Variant Classification Summary - May 2015. Collection method: clinical testing. Allele origin: germline.
Comment: Variant summary: CFTR c.3037C>T (p.Pro1013Ser) results in a non-conservative amino acid change located in the ABC transporter type 1, transmembrane domain (IPR011527) of the encoded protein sequence. Five of five in-silico tools predict a damaging effect of the variant on protein function. The variant was absent in 251138 control chromosomes. The available data on variant occurrences in the general population are insufficient to allow any conclusion about variant significance. To our knowledge, no occurrence of c.3037C>T in individuals affected with Chronic Pancreatitis Risk and no experimental evidence demonstrating its impact on protein function have been reported. Another clinical diagnostic laboratory has submitted clinical-significance assessments for this variant to ClinVar after 2014 without evidence for independent evaluation and classified the variant as uncertain significance. Based on the evidence outlined above, the variant was classified as uncertain significance.

Natera, Inc.
Classification: Uncertain significance for CFTR-related disorders. Last evaluated: 2018-09-29. Review status: no assertion criteria provided. Collection method: clinical testing. Allele origin: germline. Not counted in ClinVar's aggregate classification.

Literature cited by the submitters: PubMed 11278813 (cited by Labcorp Genetics (formerly Invitae), Labcorp); PubMed 23613805 (cited by Labcorp Genetics (formerly Invitae), Labcorp).

NM_000492.4(CFTR):c.3037C>T (p.Pro1013Ser)

Genes: CFTR (CF transmembrane conductance regulator; plus strand), CFTR-AS2 (CFTR antisense RNA 2; minus strand), LOC111674472 (DNase I hypersensitive sites in introns 16 and 17a of CFTR; plus strand). Cytogenetic location: 7q31.2.
Variant type: single nucleotide variant.
Coding change: c.3037C>T on transcript NM_000492.4 (MANE Select); coding-DNA position 3037, C replaced by T.
Protein change: p.Pro1013Ser; replaces proline 1013 with serine.
Molecular consequence: missense variant.
Genome position (GRCh38, 1-based): chr7:117,610,567, C>T. VCF-style: chr7-117610567-C-T. GRCh37 (hg19) VCF-style: chr7-117250621-C-T.
Other names: short protein forms P1013S.
Identifiers: ClinVar variation 929222 (VCV000929222.10), dbSNP rs978796108, ClinGen allele CA164965144.
Genomic context (GRCh38, chr7:117,610,567, plus strand): 5'-TTGATCTTACAGTTGTTATTAATTGTGATTGGAGCTATAGCAGTTGTCGCAGTTTTACAA[C>T]CCTACATCTTTGTTGCAACAGTGCCAGTGATAGTGGCTTTTATTATGTTGAGAGCATATT-3'
Protein context (NP_000483.3, residues 1003-1023): GAIAVVAVLQ[Pro1013Ser]YIFVATVPVI